The following is an entry in ClinVar:

NM_001363118.2(SLC52A2):c.1106C>T (p.Ser369Leu)

Gene: SLC52A2 (solute carrier family 52 member 2; plus strand). Cytogenetic location: 8q24.3.
Variant type: single nucleotide variant.
Coding change: c.1106C>T on transcript NM_001363118.2 (MANE Select); coding-DNA position 1106, C replaced by T.
Protein change: p.Ser369Leu; replaces serine 369 with leucine.
Molecular consequence: missense variant. On other transcripts: non-coding transcript variant (1).
Genome position (GRCh38, 1-based): chr8:144,360,694, C>T. VCF-style: chr8-144360694-C-T. GRCh37 (hg19) VCF-style: chr8-145584354-C-T.
Other names: p.Ser369Leu; c.1106C>T, p.Ser369Leu (NM_001253815.2, NM_001253816.2, NM_001363120.2 and 2 more transcripts); c.614C>T, p.Ser205Leu (NM_001363122.2); short protein forms S369L, S205L.
Identifiers: ClinVar variation 540434 (VCV000540434.17), dbSNP rs138160033, ClinGen allele CA4938375.

ClinVar aggregate classification (germline): Conflicting classifications of pathogenicity. Review status: criteria provided, conflicting classifications (1 of 4 stars). 5 submissions from 5 submitters: Uncertain significance (2); Likely benign (1). 2 of the submissions do not count toward it. Last evaluated 2025-08-18.

Conditions:
Inborn genetic diseases. Identifiers: MedGen C0950123, MeSH D030342.
Brown-Vialetto-van Laere syndrome 2. Also called: Riboflavin transporter deficiency type 2; SPINOCEREBELLAR ATAXIA WITH BLINDNESS AND DEAFNESS 2. Identifiers: Orphanet 572543, Orphanet 97229, MedGen C3553538, MONDO:0013867, OMIM 614707.

Allele frequency attached by ClinVar (database versions not stated): TOPMed 0.00007; gnomAD 0.00012 and 0.00011; ESP Exome Variant Server 0.00015; gnomAD exomes 0.00016 and 0.00017; ExAC 0.00022.

Submissions (5):

Labcorp Genetics (formerly Invitae), Labcorp
Classification: Likely benign for Brown-Vialetto-van Laere syndrome 2. Last evaluated: 2025-08-18. Review status: criteria provided, single submitter. Criteria: Invitae Variant Classification Sherloc (09022015). Collection method: clinical testing. Allele origin: germline.

Mayo Clinic Laboratories, Mayo Clinic
Classification: Uncertain significance. Last evaluated: 2025-07-11. Review status: criteria provided, single submitter. Criteria: ACMG Guidelines, 2015. Collection method: clinical testing. Allele origin: germline. Observed: 1 variant allele.
Comment: BP4_moderate, PM2_supporting

Ambry Genetics
Classification: Uncertain significance for Inborn genetic diseases. Last evaluated: 2025-03-25. Review status: criteria provided, single submitter. Criteria: Ambry Variant Classification Scheme 2023. Collection method: clinical testing. Allele origin: germline.

Clinical Genetics DNA and cytogenetics Diagnostics Lab, Erasmus MC, Erasmus Medical Center
Classification: Uncertain significance. Review status: no assertion criteria provided. Collection method: clinical testing. Allele origin: germline. Affected: yes. Study: VKGL Data-share Consensus. Not counted in ClinVar's aggregate classification.

Clinical Genetics, Academic Medical Center
Classification: Uncertain significance. Review status: no assertion criteria provided. Collection method: clinical testing. Allele origin: germline. Affected: yes. Study: VKGL Data-share Consensus. Not counted in ClinVar's aggregate classification.